The following is an entry in ClinVar:

NM_007078.3(LDB3):c.992C>T (p.Ala331Val)

Gene: LDB3 (LIM domain binding 3; plus strand). Cytogenetic location: 10q23.2.
Variant type: single nucleotide variant.
Coding change: c.992C>T on transcript NM_007078.3 (MANE Select); coding-DNA position 992, C replaced by T.
Protein change: p.Ala331Val; replaces alanine 331 with valine.
Molecular consequence: missense variant. On other transcripts: intron variant (4).
Genome position (GRCh38, 1-based): chr10:86,706,626, C>T. VCF-style: chr10-86706626-C-T. GRCh37 (hg19) VCF-style: chr10-88466383-C-T.
Other names: c.851C>T, p.Ala284Val (NM_001368066.1); c.897-3279C>T (NM_001368064.1, NM_001368065.1); c.1101-3279C>T (NM_001171610.2); c.756-3279C>T (NM_001080114.2); short protein forms A284V, A331V.
Identifiers: ClinVar variation 1043971 (VCV001043971.21), dbSNP rs368053281, ClinGen allele CA5585026.

ClinVar aggregate classification (germline): Conflicting classifications of pathogenicity. Review status: criteria provided, conflicting classifications (1 of 4 stars). 12 submissions from 12 submitters: Uncertain significance (3); Likely benign (3). 6 of the submissions do not count toward it. Last evaluated 2025-10-01.

Conditions:
Myofibrillar myopathy 4. Also called: Zaspopathy (type). Identifiers: Orphanet 98912, MedGen C4721886, MONDO:0012277, OMIM 609452.
LDB3-related disorder. Also called: LDB3-related condition.
Cardiovascular phenotype. Identifiers: MedGen CN230736.

Allele frequency attached by ClinVar (database versions not stated): TOPMed 0.00004; gnomAD 0.00005 and 0.00006; ESP Exome Variant Server 0.00008; 1000 Genomes Project 0.00060; 1000 Genomes Project 30x 0.00062.
gnomAD v4.1: 93 of 1,613,176 alleles (0.0058%); highest among the groups gnomAD compares: East Asian, 0.02%; 1 homozygote.

Submissions (12):

Labcorp Genetics (formerly Invitae), Labcorp
Classification: Uncertain significance for Myofibrillar myopathy 4. Last evaluated: 2025-10-01. Review status: criteria provided, single submitter. Criteria: Invitae Variant Classification Sherloc (09022015). Collection method: clinical testing. Allele origin: germline.
Comment: The LDB3 gene has multiple clinically relevant transcripts. This variant occurs in alternate transcript NM_007078.3, and corresponds to NM_001080116.1:c.*7252C>T in the primary transcript. This sequence change replaces alanine, which is neutral and non-polar, with valine, which is neutral and non-polar, at codon 331 of the LDB3 protein (p.Ala331Val). This variant is present in population databases (rs368053281, gnomAD 0.04%). This missense change has been observed in individual(s) with dilated cardiomyopathy (PMID: 31983221). ClinVar contains an entry for this variant (Variation ID: 1043971). Experimental studies and prediction algorithms are not available or were not evaluated, and the functional significance of this variant is currently unknown. In summary, the available evidence is currently insufficient to determine the role of this variant in disease. Therefore, it has been classified as a Variant of Uncertain Significance.

Blueprint Genetics
Classification: Likely benign. Last evaluated: 2024-10-14. Review status: criteria provided, single submitter. Criteria: ACMG Guidelines, 2015. Collection method: clinical testing. Allele origin: germline.

ARUP Laboratories, Molecular Genetics and Genomics, ARUP Laboratories
Classification: Uncertain significance. Last evaluated: 2023-09-28. Review status: criteria provided, single submitter. Criteria: ARUP Molecular Germline Variant Investigation Process 2024. Collection method: clinical testing. Allele origin: germline.
Comment: The LDB3 c.992C>T; p.Ala331Val variant (rs368053281) is reported in the literature in an individual affected with dilated cardiomyopathy, although it was not demonstrated to be disease causing (Mazzarotto 2020). This variant is found in the general population with an overall allele frequency of 0.006% (16/281,292 alleles) in the Genome Aggregation Database. Computational analyses predict that this variant is neutral (REVEL: 0.119). Due to limited information, the clinical significance of the p.Ala331Val variant is uncertain at this time. References: Mazzarotto F et al. Reevaluating the Genetic Contribution of Monogenic Dilated Cardiomyopathy. Circulation. 2020 Feb 4;141(5):387-398. PMID: 31983221.

PreventionGenetics, part of Exact Sciences
Classification: Uncertain significance for LDB3-related condition. Last evaluated: 2022-12-05. Review status: criteria provided, single submitter. Criteria: ACMG Guidelines, 2015. Collection method: clinical testing. Allele origin: germline.
Comment: The LDB3 c.992C>T variant is predicted to result in the amino acid substitution p.Ala331Val. This variant was reported in an individual with dilated cardiomyopathy (Table S3, Mazzarotto et al. 2020. PubMed ID: 31983221). This variant is reported in 0.040% of alleles in individuals of East Asian descent in gnomAD. Although we suspect that this variant may be benign, at this time, the clinical significance of this variant is uncertain due to the absence of conclusive functional and genetic evidence.

GeneDx
Classification: Likely benign. Last evaluated: 2021-01-18. Review status: criteria provided, single submitter. Criteria: GeneDx Variant Classification Process June 2021. Collection method: clinical testing. Allele origin: germline. Affected: yes.
Comment: This variant is associated with the following publications: (PMID: 31983221)

Ambry Genetics
Classification: Likely benign for Cardiovascular phenotype. Last evaluated: 2019-03-28. Review status: criteria provided, single submitter. Criteria: Ambry Variant Classification Scheme 2023. Collection method: clinical testing. Allele origin: germline.

Clinical Genetics DNA and cytogenetics Diagnostics Lab, Erasmus MC, Erasmus Medical Center
Classification: Likely benign. Review status: no assertion criteria provided. Collection method: clinical testing. Allele origin: germline. Affected: yes. Study: VKGL Data-share Consensus. Not counted in ClinVar's aggregate classification.

Clinical Genetics, Academic Medical Center
Classification: Likely benign. Review status: no assertion criteria provided. Collection method: clinical testing. Allele origin: germline. Affected: yes. Study: VKGL Data-share Consensus. Not counted in ClinVar's aggregate classification.

Diagnostic Laboratory, Department of Genetics, University Medical Center Groningen
Classification: Likely benign. Review status: no assertion criteria provided. Collection method: clinical testing. Allele origin: germline. Affected: yes. Study: VKGL Data-share Consensus. Not counted in ClinVar's aggregate classification.

Genome Diagnostics Laboratory, University Medical Center Utrecht
Classification: Likely benign. Review status: no assertion criteria provided. Collection method: clinical testing. Allele origin: germline. Affected: yes. Study: VKGL Data-share Consensus. Not counted in ClinVar's aggregate classification.

Joint Genome Diagnostic Labs from Nijmegen and Maastricht, Radboudumc and MUMC+
Classification: Likely benign. Review status: no assertion criteria provided. Collection method: clinical testing. Allele origin: germline. Affected: yes. Study: VKGL Data-share Consensus. Not counted in ClinVar's aggregate classification.

Laboratory of Diagnostic Genome Analysis, Leiden University Medical Center (LUMC)
Classification: Likely benign. Review status: no assertion criteria provided. Collection method: clinical testing. Allele origin: germline. Affected: yes. Study: VKGL Data-share Consensus. Not counted in ClinVar's aggregate classification.

Literature cited by the submitters: PubMed 31983221 (cited by Labcorp Genetics (formerly Invitae), Labcorp).